The following is an entry in ClinVar:

ClinVar aggregate classification (germline): Pathogenic (1 of 4 stars; one submission).

Submission:

Labcorp Genetics (formerly Invitae), Labcorp
Classification: Pathogenic. Last evaluated: 2024-03-12. Review status: criteria provided, single submitter. Criteria: Invitae Variant Classification Sherloc (09022015). Collection method: clinical testing. Allele origin: germline.
Comment: This sequence change creates a premature translational stop signal (p.Leu2437*) in the CPLANE1 gene. It is expected to result in an absent or disrupted protein product. Loss-of-function variants in CPLANE1 are known to be pathogenic (PMID: 24178751, 26092869). This variant is not present in population databases (gnomAD no frequency). This variant has not been reported in the literature in individuals affected with CPLANE1-related conditions. For these reasons, this variant has been classified as Pathogenic.

Literature cited by the submitters: PubMed 24178751; PubMed 26092869.

NM_001384732.1(CPLANE1):c.7310T>G (p.Leu2437Ter)

Gene: CPLANE1 (ciliogenesis and planar polarity effector complex subunit 1; minus strand). Cytogenetic location: 5p13.2.
Variant type: single nucleotide variant.
Coding change: c.7310T>G on transcript NM_001384732.1 (MANE Select); coding-DNA position 7310, T replaced by G.
Protein change: p.Leu2437Ter; replaces leucine 2437 with a stop codon.
Molecular consequence: nonsense.
Genome position (GRCh38, 1-based): chr5:37,167,137, A>C on the plus strand (T>G on the coding strand, the complement: CPLANE1 is on the minus strand). VCF-style: chr5-37167137-A-C. GRCh37 (hg19) VCF-style: chr5-37167239-A-C.
Other names: c.7310T>G, p.Leu2437Ter (NM_023073.4); short protein forms L2437*.
Identifiers: ClinVar variation 3645574 (VCV003645574.2).
Genomic context (GRCh38, chr5:37,167,137, plus strand): 5'-TCAGGTGGTTCTATTTTGACCTTTAGAAGTTGAAGGTGTCCAGCATCACCTTGTTCAAAT[A>C]AATTATGTGTTAGTTTCTGTTGGCTTTGTTTAAACGCAATGAGGTTTTCAAGTGGGATAA-3'